The following is an entry in ClinVar:

NM_001267550.2(TTN):c.88825C>T (p.Arg29609Ter)

Genes: TTN (titin; minus strand), TTN-AS1 (TTN antisense RNA 1; plus strand). Cytogenetic location: 2q31.2.
Variant type: single nucleotide variant.
Coding change: c.88825C>T on transcript NM_001267550.2 (MANE Select); coding-DNA position 88825, C replaced by T.
Protein change: p.Arg29609Ter; replaces arginine 29609 with a stop codon.
Molecular consequence: nonsense.
Genome position (GRCh38, 1-based): chr2:178,554,522, G>A on the plus strand (C>T on the coding strand, the complement: TTN is on the minus strand). VCF-style: chr2-178554522-G-A. GRCh37 (hg19) VCF-style: chr2-179419249-G-A.
Other names: c.83902C>T, p.Arg27968Ter (NM_001256850.1); c.61630C>T, p.Arg20544Ter (NM_003319.4); c.81121C>T, p.Arg27041Ter (NM_133378.4); c.62005C>T, p.Arg20669Ter (NM_133432.3); c.62206C>T, p.Arg20736Ter (NM_133437.4); c.88825C>T (NM_001267550.1); short protein forms R20544*, R27968*, R29609*, R20669*, R20736*, R27041*.
Identifiers: ClinVar variation 645724 (VCV000645724.15), dbSNP rs766450773, ClinGen allele CA349524576.

ClinVar aggregate classification (germline): Pathogenic/Likely pathogenic. Review status: criteria provided, multiple submitters, no conflicts (2 of 4 stars). 4 submissions from 4 submitters: Pathogenic (1); Likely pathogenic (3). Last evaluated 2026-01-29.

Conditions:
Cardiovascular phenotype. Identifiers: MedGen CN230736.
Dilated cardiomyopathy 1G (CMD1G). Identifiers: Orphanet 154, MedGen C1858763, MONDO:0011400, OMIM 604145.
Autosomal recessive limb-girdle muscular dystrophy type 2J (LGMDR10). Also called: Limb-girdle muscular dystrophy, type 2J; MUSCULAR DYSTROPHY, LIMB-GIRDLE, AUTOSOMAL RECESSIVE 10. Identifiers: Orphanet 140922, MedGen C1837342, MONDO:0012127, OMIM 608807.

Allele frequency attached by ClinVar (database versions not stated): gnomAD exomes below 0.00001.
gnomAD v4.1: 2 of 1,612,444 alleles (0.00012%); highest among the groups gnomAD compares: Non-Finnish European, 0.00017%; no homozygotes.

Submissions (4):

Labcorp Genetics (formerly Invitae), Labcorp
Classification: Likely pathogenic for Dilated cardiomyopathy 1G; Autosomal recessive limb-girdle muscular dystrophy type 2J. Last evaluated: 2026-01-29. Review status: criteria provided, single submitter. Criteria: Invitae Variant Classification Sherloc (09022015). Collection method: clinical testing. Allele origin: germline.
Comment: This sequence change creates a premature translational stop signal (p.Arg29609*) in the TTN gene. While this is not anticipated to result in nonsense mediated decay, it is expected to create a truncated TTN protein. This variant is not present in population databases (gnomAD no frequency). This premature translational stop signal has been observed in individual(s) with dilated cardiomyopathy (PMID: 35653365; internal data). ClinVar contains an entry for this variant (Variation ID: 645724). This variant is located in the A band of TTN (PMID: 25589632). Truncating variants in this region are significantly overrepresented in patients affected with dilated cardiomyopathy (PMID: 25589632). Truncating variants in this region have also been reported in individuals affected with autosomal recessive centronuclear myopathy (PMID: 23975875). In summary, the currently available evidence indicates that the variant is pathogenic, but additional data are needed to prove that conclusively. Therefore, this variant has been classified as Likely Pathogenic.

Ambry Genetics
Classification: Likely pathogenic for Cardiovascular phenotype. Last evaluated: 2025-09-11. Review status: criteria provided, single submitter. Criteria: Ambry Variant Classification Scheme 2023. Collection method: clinical testing. Allele origin: germline.
Comment: The p.R20544* variant (also known as c.61630C>T), located in coding exon 159 of the TTN gene, results from a C to T substitution at nucleotide position 61630. This changes the amino acid from an arginine to a stop codon within coding exon 159. This exon is located in the A-band region of the N2-B isoform of the titin protein and is constitutively expressed in TTN transcripts (percent spliced in or PSI 100%). This variant was reported in individual(s) with features consistent with cardiomyopathy (Stava TT et al. Eur J Prev Cardiol, 2022 Oct;29:1789-1799). This variant is considered to be rare based on population cohorts in the Genome Aggregation Database (gnomAD). This variant is expected to result in loss of function by premature protein truncation or nonsense-mediated mRNA decay. While truncating variants in TTN are present in 1-3% of the general population, truncating variants in the A-band are the most common cause of dilated cardiomyopathy (Herman DS et al. N. Engl. J. Med., 2012 Feb;366:619-28; Roberts AM et al. Sci Tr ansl Med, 2015 Jan;7:270ra6). TTN truncating variants encoded in constitutive exons (PSI >90%) have been found to be significantly associated with DCM regardless of their position in titin (Schafer S et al. Nat. Genet., 2017 01;49:46-53; Akhtar MM et al. Circ Heart Fail, 2020 Oct;13:e006832; Massier M et al. Clin Genet, 2025 Jan). Based on the majority of available evidence to date, this variant is likely to be pathogenic.

Molecular Diagnostic Laboratory for Inherited Cardiovascular Disease, Montreal Heart Institute
Classification: Pathogenic for Cardiovascular phenotype. Last evaluated: 2025-04-28. Review status: criteria provided, single submitter. Criteria: ACMG Guidelines, 2015. Collection method: clinical testing. Allele origin: germline. Affected: yes.
Comment: PVS1, PM2, PS4_supp

GeneDx
Classification: Likely pathogenic. Last evaluated: 2023-02-07. Review status: criteria provided, single submitter. Criteria: GeneDx Variant Classification Process June 2021. Collection method: clinical testing. Allele origin: germline. Affected: yes.
Comment: Reported in a patient with DCM in published literature (Stava et al., 2022); Not observed at significant frequency in large population cohorts (gnomAD); Nonsense variant predicted to result in protein truncation or nonsense mediated decay in a gene for which loss of function is a known mechanism of disease; Located in the A-band region of TTN in which the majority of loss of function variants have been associated with autosomal dominant titinopathies (Herman et al., 2012); This variant is associated with the following publications: (PMID: 22335739, 35653365)

Literature cited by the submitters: PubMed 35653365 (cited by Labcorp Genetics (formerly Invitae), Labcorp and Ambry Genetics); PubMed 25589632 (cited by Labcorp Genetics (formerly Invitae), Labcorp); PubMed 23975875 (cited by Labcorp Genetics (formerly Invitae), Labcorp).